The following is an entry in ClinVar:

NM_000516.7(GNAS):c.801_802dup (p.Glu268fs)

Gene: GNAS (GNAS complex locus; plus strand). Cytogenetic location: 20q13.32.
Variant type: Duplication.
Coding change: c.801_802dup on transcript NM_000516.7 (MANE Select); coding-DNA positions 801 to 802, 2 bases duplicated (GG; older notation c.801_802dupGG).
Protein change: p.Glu268fs; shifts the reading frame from glutamic acid 268.
Molecular consequence: frameshift variant. On other transcripts: 3 prime UTR variant (2).
Genome position (GRCh38, 1-based): chr20:58,909,766-58,909,767, GG duplicated. VCF-style (leftmost placement, unchanged base first): chr20-58909765-A-AGG. GRCh37 (hg19) VCF-style: chr20-57484820-A-AGG.
Other names: c.804_805dup, p.Glu269fs (NM_001077488.5); c.756_757dup, p.Glu253fs (NM_001077489.4); c.*662_*663dup (NM_001077490.3); c.624_625dup, p.Glu209fs (NM_001309840.2, NM_001309861.2); c.*707_*708dup (NM_016592.5); c.2730_2731dup, p.Glu911fs (NM_080425.4); c.759_760dup, p.Glu254fs (NM_080426.4); short protein forms E254fs, E268fs, E269fs, E209fs, E911fs, E253fs.
Identifiers: ClinVar variation 817970 (VCV000817970.1), dbSNP rs1601164303, ClinGen allele CA915951968.

ClinVar aggregate classification (germline): Pathogenic (1 of 4 stars; one submission).

Submission:

GeneDx
Classification: Pathogenic. Last evaluated: 2019-01-25. Review status: criteria provided, single submitter. Criteria: GeneDx Variant Classification (06012015). Collection method: clinical testing. Allele origin: germline. Affected: yes.
Comment: The c.801_802dupGG variant in the GNAS gene has not been reported previously as a pathogenic variant nor as a benign variant, to our knowledge. The c.801_802dupGG variant causes a frameshift starting with codon Glutamic acid 268, changes this amino acid to a Glycine residue, and creates a premature Stop codon at position 4 of the new reading frame, denoted p.Glu268GlyfsX4. This variant is predicted to cause loss of normal protein function either through protein truncation or nonsense-mediated mRNA decay. The c.801_802dupGG variant is not observed in large population cohorts (Lek et al., 2016). We interpret c.801_802dupGG as a pathogenic variant